The following is an entry in ClinVar:

NM_024426.6(WT1):c.1403C>G (p.Ser468Cys)

Gene: WT1 (WT1 transcription factor; minus strand). Cytogenetic location: 11p13.
Variant type: single nucleotide variant.
Coding change: c.1403C>G on transcript NM_024426.6 (MANE Select); coding-DNA position 1403, C replaced by G.
Protein change: p.Ser468Cys; replaces serine 468 with cysteine.
Molecular consequence: missense variant. On other transcripts: non-coding transcript variant (2), intron variant (2).
Genome position (GRCh38, 1-based): chr11:32,392,016, G>C on the plus strand (C>G on the coding strand, the complement: WT1 is on the minus strand). VCF-style: chr11-32392016-G-C. GRCh37 (hg19) VCF-style: chr11-32413562-G-C.
Other names: c.1352C>G, p.Ser451Cys (NM_000378.6, NM_001407045.1); c.752C>G, p.Ser251Cys (NM_001198551.2); c.701C>G, p.Ser234Cys (NM_001198552.2); c.215C>G, p.Ser72Cys (NM_001367854.1); c.1397C>G, p.Ser466Cys (NM_001407044.1); c.1280C>G, p.Ser427Cys (NM_001407047.1); c.1262C>G, p.Ser421Cys (NM_001407048.1); c.1229C>G, p.Ser410Cys (NM_001407050.1); and 7 more; short protein forms S214C, S234C, S251C, S378C, S395C, S410C, S421C, S427C.
Identifiers: ClinVar variation 3235221 (VCV003235221.1), dbSNP rs2132914401.

ClinVar aggregate classification (germline): Uncertain significance (1 of 4 stars; one submission).

Conditions:
Nephrotic syndrome, type 4 (NPHS4). Also called: Familial mesangial sclerosis; Nephrotic syndrome, early onset with diffuse mesangial sclerosis. Identifiers: Orphanet 656, MedGen C3151568, MONDO:0009733, OMIM 256370.

Submission:

MVZ Medizinische Genetik Mainz
Classification: Uncertain significance for Nephrotic syndrome, type 4. Last evaluated: 2023-01-04. Review status: criteria provided, single submitter. Criteria: UK Practice Guidelines For Variant Classification V4 01 2020. Collection method: clinical testing. Allele origin: germline. Inheritance: Autosomal dominant inheritance. Affected: yes. Observed: 1 variant allele.
Comment: ACMG Criteria: PM2_SUP, PM5, PM1